The following is an entry in ClinVar:

ClinVar aggregate classification (germline): Uncertain significance (1 of 4 stars; one submission).

Conditions:
Familial adenomatous polyposis 1 (FAP1). Also called: FAMILIAL ADENOMATOUS POLYPOSIS 1, ATTENUATED; POLYPOSIS, ADENOMATOUS INTESTINAL. Identifiers: MedGen C2713442, MONDO:0021056, OMIM 175100. Disease mechanism: loss of function.

Submission:

Labcorp Genetics (formerly Invitae), Labcorp
Classification: Uncertain significance for Familial adenomatous polyposis 1. Last evaluated: 2019-01-08. Review status: criteria provided, single submitter. Criteria: Invitae Variant Classification Sherloc (09022015). Collection method: clinical testing. Allele origin: germline.
Comment: In summary, the available evidence is currently insufficient to determine the role of this variant in disease. Therefore, it has been classified as a Variant of Uncertain Significance. Algorithms developed to predict the effect of missense changes on protein structure and function are either unavailable or do not agree on the potential impact of this missense change (SIFT: "Deleterious"; PolyPhen-2: "Probably Damaging"; Align-GVGD: "Class C0"). This variant has not been reported in the literature in individuals with APC-related conditions. This variant is not present in population databases (ExAC no frequency). This sequence change replaces glutamine with histidine at codon 1627 of the APC protein (p.Gln1627His). The glutamine residue is highly conserved and there is a small physicochemical difference between glutamine and histidine.

NM_000038.6(APC):c.4881A>T (p.Gln1627His)

Gene: APC (APC regulator of Wnt signaling pathway; plus strand). Cytogenetic location: 5q22.2.
Variant type: single nucleotide variant.
Coding change: c.4881A>T on transcript NM_000038.6 (MANE Select); coding-DNA position 4881, A replaced by T.
Protein change: p.Gln1627His; replaces glutamine 1627 with histidine.
Molecular consequence: missense variant.
Genome position (GRCh38, 1-based): chr5:112,840,475, A>T. VCF-style: chr5-112840475-A-T. GRCh37 (hg19) VCF-style: chr5-112176172-A-T.
Other names: c.4881A>T, p.Gln1627His (NM_001127510.3, NM_001354895.2); c.4827A>T, p.Gln1609His (NM_001127511.3); c.4935A>T, p.Gln1645His (NM_001354896.2); c.4911A>T, p.Gln1637His (NM_001354897.2); c.4806A>T, p.Gln1602His (NM_001354898.2); c.4797A>T, p.Gln1599His (NM_001354899.2); c.4758A>T, p.Gln1586His (NM_001354900.2); c.4704A>T, p.Gln1568His (NM_001354901.2); and 5 more; short protein forms Q1599H, Q1609H, Q1467H, Q1586H, Q1602H, Q1637H, Q1344H, Q1526H.
Identifiers: ClinVar variation 841694 (VCV000841694.11), dbSNP rs1765794115, ClinGen allele CA16032027.